The following is an entry in ClinVar:

ClinVar aggregate classification (germline): Uncertain significance (1 of 4 stars; one submission).

Conditions:
Neurodevelopmental disorder with coarse facies and mild distal skeletal abnormalities. Also called: STOLERMAN NEURODEVELOPMENTAL SYNDROME. Identifiers: MedGen C5193134, MONDO:0032790, OMIM 618505.

Submission:

MVZ Medizinische Genetik Mainz
Classification: Uncertain significance for Neurodevelopmental disorder with coarse facies and mild distal skeletal abnormalities. Last evaluated: 2022-05-31. Review status: criteria provided, single submitter. Criteria: UK Practice Guidelines For Variant Classification V4 01 2020. Collection method: clinical testing. Allele origin: germline. Inheritance: Autosomal dominant inheritance. Affected: yes. Observed: 1 variant allele.
Comment: PVS1_MOD,PM2_SUP

NM_001348716.2(KDM6B):c.4556G>A (p.Trp1519Ter)

Genes: KDM6B (lysine demethylase 6B; plus strand), LOC121587574 (Sharpr-MPRA regulatory region 3930; plus strand). Cytogenetic location: 17p13.1.
Variant type: single nucleotide variant.
Coding change: c.4556G>A on transcript NM_001348716.2 (MANE Select); coding-DNA position 4556, G replaced by A.
Protein change: p.Trp1519Ter; replaces tryptophan 1519 with a stop codon.
Molecular consequence: nonsense.
Genome position (GRCh38, 1-based): chr17:7,852,582, G>A. VCF-style: chr17-7852582-G-A. GRCh37 (hg19) VCF-style: chr17-7755900-G-A.
Other names: c.4556G>A, p.Trp1519Ter (NM_001080424.2); short protein forms W1519*.
Identifiers: ClinVar variation 3061919 (VCV003061919.1), dbSNP rs2544534971, ClinGen allele CA397928053.